The following is an entry in ClinVar:

ClinVar aggregate classification (germline): Uncertain significance (1 of 4 stars; one submission).

Submission:

GeneDx
Classification: Uncertain significance. Last evaluated: 2019-10-17. Review status: criteria provided, single submitter. Criteria: GeneDx Variant Classification Process June 2021. Collection method: clinical testing. Allele origin: germline. Affected: yes.
Comment: Not observed in large population cohorts (Lek et al., 2016); In silico analysis, which includes protein predictors and evolutionary conservation, supports a deleterious effect; Has not been previously published as pathogenic or benign to our knowledge

NM_001330078.2(NRXN1):c.2642A>C (p.Asp881Ala)

Gene: NRXN1 (neurexin 1; minus strand). Cytogenetic location: 2p16.3.
Variant type: single nucleotide variant.
Coding change: c.2642A>C on transcript NM_001330078.2 (MANE Select); coding-DNA position 2642, A replaced by C.
Protein change: p.Asp881Ala; replaces aspartic acid 881 with alanine.
Molecular consequence: missense variant.
Genome position (GRCh38, 1-based): chr2:50,497,570, T>G on the plus strand (A>C on the coding strand, the complement: NRXN1 is on the minus strand). VCF-style: chr2-50497570-T-G. GRCh37 (hg19) VCF-style: chr2-50724708-T-G.
Other names: c.2762A>C, p.Asp921Ala (NM_001135659.3); c.2618A>C, p.Asp873Ala (NM_001330077.2, NM_001330082.2); c.2576A>C, p.Asp859Ala (NM_001330083.2, NM_001330084.2); c.2615A>C, p.Asp872Ala (NM_001330085.2); c.2642A>C, p.Asp881Ala (NM_001330086.2, NM_004801.6); c.2531A>C, p.Asp844Ala (NM_001330087.2, NM_001330096.2); c.2561A>C, p.Asp854Ala (NM_001330088.2); c.2639A>C, p.Asp880Ala (NM_001330093.2); and 2 more; short protein forms D844A, D854A, D859A, D864A, D872A, D873A, D877A, D880A.
Identifiers: ClinVar variation 1318966 (VCV001318966.4), dbSNP rs2104919863, ClinGen allele CA346777199.